The following is an entry in ClinVar:

NM_000458.4(HNF1B):c.854G>A (p.Gly285Asp)

Gene: HNF1B (HNF1 homeobox B; minus strand). Cytogenetic location: 17q12.
Variant type: single nucleotide variant.
Coding change: c.854G>A on transcript NM_000458.4 (MANE Select); coding-DNA position 854, G replaced by A.
Protein change: p.Gly285Asp; replaces glycine 285 with aspartic acid.
Molecular consequence: missense variant.
Genome position (GRCh38, 1-based): chr17:37,731,786, C>T on the plus strand (G>A on the coding strand, the complement: HNF1B is on the minus strand). VCF-style: chr17-37731786-C-T. GRCh37 (hg19) VCF-style: chr17-36091777-C-T.
Other names: p.Gly285Asp; c.776G>A, p.Gly259Asp (NM_001165923.4, NM_001304286.2); short protein forms G285D, G259D.
Identifiers: ClinVar variation 635636 (VCV000635636.4), dbSNP rs2511801988, ClinGen allele CA398746979.

ClinVar aggregate classification (germline): Conflicting classifications of pathogenicity. Review status: criteria provided, conflicting classifications (1 of 4 stars). 3 submissions from 3 submitters: Pathogenic (1); Likely pathogenic (1); Uncertain significance (1). Last evaluated 2026-04-12.

Conditions:
Renal cysts and diabetes syndrome (RCAD). Also called: Familial hypoplastic, glomerulocystic kidney; MATURITY-ONSET DIABETES OF THE YOUNG, TYPE 5. Identifiers: Orphanet 93111, MedGen C0431693, MONDO:0007669, OMIM 137920.

Submissions (3):

Victorian Clinical Genetics Services, Murdoch Childrens Research Institute
Classification: Likely pathogenic for Renal cysts and diabetes syndrome. Last evaluated: 2026-04-12. Review status: criteria provided, single submitter. Criteria: ACMG Guidelines, 2015. Collection method: clinical testing. Allele origin: germline. Affected: yes.
Comment: This variant is classified as Likely pathogenic. Evidence in support of pathogenic classification: Variant is absent from gnomAD (v2, v3 and v4); This variant has limited previous evidence of pathogenicity in unrelated individuals. It has been reported in the literature in individuals affected with MODY5 or kidney disease (PMIDs: 16249435, 20378641), and has been classified once as a variant of uncertain significance by a clinical laboratory (ClinVar); Another missense variant comparable to the one identified in this case has limited previous evidence for pathogenicity. p.(Gly285Ser) has been reported once in the literature in an individual with renal cysts and diabetes syndrome (PMID: 30586318). In addition, it has been classified once as a variant of uncertain significance by a clinical laboratory (ClinVar); Missense variant predicted to be damaging by in silico tool(s) or highly conserved with a major amino acid change; Additional information: Variant is predicted to result in a missense amino acid change from Gly to Asp; This variant is heterozygous; This gene is associated with autosomal dominant disease; Alternative amino acid change(s) at the same position are present in gnomAD (highest allele count: v4: 14 heterozygote(s), 0 homozygote(s)); No published evidence of segregation with disease has been identified for this variant; No published functional evidence has been identified for this variant; Variant is located in the annotated DNA binding region (DECIPHER); Dominant negative, loss of function, and gain of function are all reported mechanisms of disease in this gene and are associated with type 2 diabetes mellitus (MIM#125853) and renal cysts and diabetes syndrome (MIM#137920; OMIM, PMID: 25536396, 11845238, 15509593); Variants in this gene are known to have variable expressivity. There is significant interfamilial and intrafamilial variability of HNF1B-related nephropathy (PMID: 33305128).

Mayo Clinic Laboratories, Mayo Clinic
Classification: Uncertain significance. Last evaluated: 2023-01-27. Review status: criteria provided, single submitter. Criteria: ACMG Guidelines, 2015. Collection method: clinical testing. Allele origin: germline. Observed: 1 variant allele.
Comment: PP3, PM2

Institute of Human Genetics, FAU Erlangen, Friedrich-Alexander-Universität Erlangen-Nürnberg
Classification: Pathogenic for Renal cysts and diabetes syndrome. Last evaluated: 2019-07-06. Review status: criteria provided, single submitter. Criteria: ACMG Guidelines, 2015. Collection method: literature only. Allele origin: germline. Affected: yes.
Comment: This variant and it's classification has been reported by Vasileiou et al. 2019; DOI:10.1101/576918. The variants has previously been reported in PMID:16249435; PMID:25700310; PMID:16249435; PMID:19346182; PMID:25536396 as "c.854G->A,p.Gly285Asp; c.854G>A; c.854G>A" with clinical significance Pathogenic. It has been re-classified using InterVar and manual curation as Pathogenic based on PS1 PM1 PM2 PP1 PP3.

Literature cited by the submitters: PubMed 16249435 (cited by 3 submitters); PubMed 30586318 (cited by Victorian Clinical Genetics Services, Murdoch Childrens Research Institute); PubMed 33305128 (cited by Victorian Clinical Genetics Services, Murdoch Childrens Research Institute); PubMed 15509593 (cited by Victorian Clinical Genetics Services, Murdoch Childrens Research Institute); PubMed 20378641 (cited by Victorian Clinical Genetics Services, Murdoch Childrens Research Institute and Mayo Clinic Laboratories, Mayo Clinic); PubMed 25536396 (cited by 3 submitters); PubMed 11845238 (cited by Victorian Clinical Genetics Services, Murdoch Childrens Research Institute); PubMed 21163139 (cited by Mayo Clinic Laboratories, Mayo Clinic); PubMed 25700310 (cited by Mayo Clinic Laboratories, Mayo Clinic and Institute of Human Genetics, FAU Erlangen, Friedrich-Alexander-Universität Erlangen-Nürnberg); PubMed 36522156 (cited by Mayo Clinic Laboratories, Mayo Clinic); PubMed 19346182 (cited by Institute of Human Genetics, FAU Erlangen, Friedrich-Alexander-Universität Erlangen-Nürnberg); DOI 10.1101/576918 (cited by Institute of Human Genetics, FAU Erlangen, Friedrich-Alexander-Universität Erlangen-Nürnberg).